The following is an entry in ClinVar:

NM_000051.4(ATM):c.756_757del (p.Cys252_Glu253delinsTer)

Gene: ATM (ATM serine/threonine kinase; plus strand). Cytogenetic location: 11q22.3.
Variant type: Microsatellite.
Coding change: c.756_757del on transcript NM_000051.4 (MANE Select); coding-DNA positions 756 to 757, 2 bases deleted (TG; older notation c.756_757delTG).
Protein change: p.Cys252_Glu253delinsTer.
Molecular consequence: nonsense.
Genome position (GRCh38, 1-based): chr11:108,244,881-108,244,882, TG deleted; deleting any 2 consecutive bases within chr11:108,244,876-108,244,882 gives the same sequence; the c. name uses the placement nearest the transcript's 3' end. VCF-style (leftmost placement, unchanged base first): chr11-108244875-AGT-A. GRCh37 (hg19) VCF-style: chr11-108115602-AGT-A.
Other names: c.756_757delTG (NM_000051.3); c.756_757del, p.Cys252_Glu253delinsTer (NM_001351834.2).
Identifiers: ClinVar variation 231178 (VCV000231178.19), dbSNP rs876659003, ClinGen allele CA10578976.

ClinVar aggregate classification (germline): Pathogenic. Review status: criteria provided, multiple submitters, no conflicts (2 of 4 stars). 6 submissions from 6 submitters: Pathogenic (5). 1 of the submissions does not count toward it. Last evaluated 2024-10-22.

Conditions:
Hereditary cancer-predisposing syndrome. Also called: Hereditary Cancer Syndrome; Neoplastic Syndromes, Hereditary; Tumor predisposition; Hereditary neoplastic syndrome. Identifiers: Orphanet 140162, MedGen C0027672, MeSH D009386, MONDO:0015356.
Familial cancer of breast. Also called: Hereditary breast cancer; hereditary breast carcinoma; BREAST CANCER, FAMILIAL. Identifiers: Orphanet 227535, MedGen C0346153, MONDO:0016419, OMIM 114480. Disease mechanism: loss of function.
Ataxia-telangiectasia syndrome (AT). Also called: Ataxia telangiectasia (A-T); Ataxia-telangiectasia, complementation group E; LOUIS-BAR SYNDROME; Cerebello-oculocutaneous telangiectasia; Immunodeficiency with ataxia telangiectasia; Ataxia-telangiectasia, complementation group D. Identifiers: Orphanet 100, MedGen C0004135, MONDO:0008840, OMIM 208900.

Submissions (6):

Quest Diagnostics Nichols Institute San Juan Capistrano
Classification: Pathogenic. Last evaluated: 2024-10-22. Review status: criteria provided, single submitter. Criteria: Quest Diagnostics criteria. Collection method: clinical testing. Allele origin: unknown.
Comment: The ATM c.756_757del (p.Cys252*) variant causes the premature termination of ATM protein synthesis. This variant has been reported in the published literature as homozygous in an individual with ataxia-telangiectasia (PMIDs: 8845835 (1996), 12072877 (2002), 23454770 (2013)) and as heterozygous in an individual with lung cancer (PMID: 33858029 (2021)) and with breast, ovarian, or pancreatic cancer (PMID: 37065479 (2023)). This variant has not been reported in large, multi-ethnic general populations (Genome Aggregation Database). Based on the available information, this variant is classified as pathogenic.

Ambry Genetics
Classification: Pathogenic for Hereditary cancer-predisposing syndrome. Last evaluated: 2024-07-16. Review status: criteria provided, single submitter. Criteria: Ambry Variant Classification Scheme 2023. Collection method: clinical testing. Allele origin: germline.
Comment: The c.756_757delTG pathogenic mutation, located in coding exon 6 of the ATM gene, results from a deletion of two nucleotides at nucleotide positions 756 to 757, causing a translational frameshift with a predicted alternate stop codon (p.C252*). This alteration has been reported (labeled as 755delG) in the literature in an Italian ataxia telangiectasia (A-T) family (Gilad S et al, Hum. Mol. Genet. 1996 Apr; 5(4):433-9). This variant is considered to be rare based on population cohorts in the Genome Aggregation Database (gnomAD). In addition to the clinical data presented in the literature, this alteration is expected to result in loss of function by premature protein truncation or nonsense-mediated mRNA decay. As such, this alteration is interpreted as a disease-causing mutation.

Labcorp Genetics (formerly Invitae), Labcorp
Classification: Pathogenic for Ataxia-telangiectasia syndrome. Last evaluated: 2023-07-30. Review status: criteria provided, single submitter. Criteria: Invitae Variant Classification Sherloc (09022015). Collection method: clinical testing. Allele origin: germline.
Comment: This variant is also known as 755delGT. For these reasons, this variant has been classified as Pathogenic. ClinVar contains an entry for this variant (Variation ID: 231178). This premature translational stop signal has been observed in individual(s) with ataxia-telangiectasia (PMID: 8845835). This variant is not present in population databases (gnomAD no frequency). This sequence change creates a premature translational stop signal (p.Cys252*) in the ATM gene. It is expected to result in an absent or disrupted protein product. Loss-of-function variants in ATM are known to be pathogenic (PMID: 23807571, 25614872).

Myriad Genetics, Inc.
Classification: Pathogenic for Familial cancer of breast. Last evaluated: 2023-02-08. Review status: criteria provided, single submitter. Criteria: Myriad Autosomal Dominant, Autosomal Recessive and X-Linked Classification Criteria (2023). Collection method: clinical testing. Allele origin: unknown.
Comment: This variant is considered pathogenic. This variant creates a termination codon and is predicted to result in premature protein truncation.

Women's Health and Genetics/Laboratory Corporation of America, LabCorp
Classification: Pathogenic for Ataxia-telangiectasia syndrome. Last evaluated: 2018-12-24. Review status: criteria provided, single submitter. Criteria: LabCorp Variant Classification Summary - May 2015. Collection method: clinical testing. Allele origin: germline.
Comment: Variant summary: ATM c.756_757delTG (p.Cys252X) results in a premature termination codon, predicted to cause a truncation of the encoded protein or absence of the protein due to nonsense mediated decay, which are commonly known mechanisms for disease. Truncations downstream of this position have been classified as pathogenic by our laboratory (eg. c.1027_1030delGAAA/p.Glu343fsX2, c.1139_1142dupACAG/p.Ser381fsX27). The variant was absent in 245832 control chromosomes. c.756_757delTG has been reported in the literature in individuals affected with Ataxia-Telangiectasia (Gilad_996a, Sun_2002, Heinrich_2006, Prodosmo_2013). These data indicate that the variant is likely to be associated with disease. At least one publication reports experimental evidence showing that this variant may lead to loss of protein expression (Sun_2002). Three clinical diagnostic laboratories have submitted clinical-significance assessments for this variant to ClinVar after 2014 without evidence for independent evaluation. All laboratories classified the variant as pathogenic/likely pathogenic. Based on the evidence outlined above, the variant was classified as pathogenic.

Counsyl
Classification: Likely pathogenic for Ataxia-telangiectasia syndrome. Last evaluated: 2016-11-09. Review status: no assertion criteria provided. Collection method: clinical testing. Allele origin: unknown. Not counted in ClinVar's aggregate classification.

Literature cited by the submitters: PubMed 23454770 (cited by Quest Diagnostics Nichols Institute San Juan Capistrano and Women's Health and Genetics/Laboratory Corporation of America, LabCorp); PubMed 12072877 (cited by Quest Diagnostics Nichols Institute San Juan Capistrano and Women's Health and Genetics/Laboratory Corporation of America, LabCorp); PubMed 37065479 (cited by Quest Diagnostics Nichols Institute San Juan Capistrano); PubMed 33858029 (cited by Quest Diagnostics Nichols Institute San Juan Capistrano); PubMed 8845835 (cited by 5 submitters); PubMed 23807571 (cited by Labcorp Genetics (formerly Invitae), Labcorp); PubMed 25614872 (cited by Labcorp Genetics (formerly Invitae), Labcorp); PubMed 16411093 (cited by Women's Health and Genetics/Laboratory Corporation of America, LabCorp).